The following is an entry in ClinVar:

ClinVar aggregate classification (germline): Uncertain significance (1 of 4 stars; one submission).

Conditions:
Atrial fibrillation, familial, 18 (ATFB18). Identifiers: MedGen C4310636, MONDO:0015001, OMIM 617280.

Submission:

Labcorp Genetics (formerly Invitae), Labcorp
Classification: Uncertain significance for Atrial fibrillation, familial, 18. Last evaluated: 2025-12-12. Review status: criteria provided, single submitter. Criteria: Invitae Variant Classification Sherloc (09022015). Collection method: clinical testing. Allele origin: germline.
Comment: This sequence change replaces alanine, which is neutral and non-polar, with glycine, which is neutral and non-polar, at codon 28 of the MYL4 protein (p.Ala28Gly). This variant is not present in population databases (gnomAD no frequency). This variant has not been reported in the literature in individuals affected with MYL4-related conditions. Experimental studies and prediction algorithms are not available or were not evaluated, and the functional significance of this variant is currently unknown. In summary, the available evidence is currently insufficient to determine the role of this variant in disease. Therefore, it has been classified as a Variant of Uncertain Significance.

NM_002476.2(MYL4):c.83C>G (p.Ala28Gly)

Gene: MYL4 (myosin light chain 4; plus strand). Cytogenetic location: 17q21.32.
Variant type: single nucleotide variant.
Coding change: c.83C>G on transcript NM_002476.2 (MANE Select); coding-DNA position 83, C replaced by G.
Protein change: p.Ala28Gly; replaces alanine 28 with glycine.
Molecular consequence: missense variant.
Genome position (GRCh38, 1-based): chr17:47,209,505, C>G. VCF-style: chr17-47209505-C-G. GRCh37 (hg19) VCF-style: chr17-45286871-C-G.
Other names: c.83C>G, p.Ala28Gly (NM_001002841.2); short protein forms A28G.
Identifiers: ClinVar variation 4707584 (VCV004707584.1).